The following is an entry in ClinVar:

ClinVar aggregate classification (germline): Pathogenic (1 of 4 stars; one submission).

Conditions:
Neurofibromatosis, type 1 (NF1). Also called: VON RECKLINGHAUSEN DISEASE; Peripheral type neurofibromatosis; Neurofibromatosis, type I; NEUROFIBROMATOSIS, TYPE I, SOMATIC. Identifiers: Orphanet 636, MedGen C0027831, MONDO:0018975, OMIM 162200. Disease mechanism: loss of function.

Submission:

Labcorp Genetics (formerly Invitae), Labcorp
Classification: Pathogenic for Neurofibromatosis, type 1. Last evaluated: 2022-12-03. Review status: criteria provided, single submitter. Criteria: Invitae Variant Classification Sherloc (09022015). Collection method: clinical testing. Allele origin: germline.
Comment: This sequence change creates a premature translational stop signal (p.Ala1453Glufs*9) in the NF1 gene. It is expected to result in an absent or disrupted protein product. Loss-of-function variants in NF1 are known to be pathogenic (PMID: 10712197, 23913538). For these reasons, this variant has been classified as Pathogenic. This variant has not been reported in the literature in individuals affected with NF1-related conditions. This variant is not present in population databases (gnomAD no frequency).

Literature cited by the submitters: PubMed 10712197; PubMed 23913538.

NM_001042492.3(NF1):c.4421del (p.Ala1474fs)

Gene: NF1 (neurofibromin 1; plus strand). Cytogenetic location: 17q11.2.
Variant type: Deletion.
Coding change: c.4421del on transcript NM_001042492.3 (MANE Select); coding-DNA position 4421, one base deleted (C; older notation c.4421delC).
Protein change: p.Ala1474fs; shifts the reading frame from alanine 1474.
Molecular consequence: frameshift variant.
Genome position (GRCh38, 1-based): chr17:31,259,120, C deleted. VCF-style (leftmost placement, unchanged base first): chr17-31259119-GC-G. GRCh37 (hg19) VCF-style: chr17-29586137-GC-G.
Other names: c.4358delC, p.Ala1453Glufs (NM_000267.4); short protein forms A1474fs, A1453fs.
Identifiers: ClinVar variation 2818216 (VCV002818216.3), dbSNP rs2508414309, ClinGen allele CA2739267396.